The following is an entry in ClinVar:

ClinVar aggregate classification (germline): Likely benign. Review status: criteria provided, single submitter (1 of 4 stars). 2 submissions from 2 submitters: Likely benign (1). 1 of the submissions does not count toward it. Last evaluated 2025-08-09.

Conditions:
MAPK8IP3-related disorder. Also called: MAPK8IP3-related condition.
Inborn genetic diseases. Identifiers: MedGen C0950123, MeSH D030342.

Allele frequency attached by ClinVar (database versions not stated): gnomAD exomes 0.00003; ExAC 0.00006; ESP Exome Variant Server 0.00008; TOPMed 0.00027; gnomAD 0.00029; 1000 Genomes Project 0.00080; 1000 Genomes Project 30x 0.00094.
gnomAD v4.1: 90 of 1,613,434 alleles (0.0056%); highest among the groups gnomAD compares: African/African-American, 0.079%; no homozygotes.

Submissions (2):

Ambry Genetics
Classification: Likely benign for Inborn genetic diseases. Last evaluated: 2025-08-09. Review status: criteria provided, single submitter. Criteria: Ambry Variant Classification Scheme 2023. Collection method: clinical testing. Allele origin: germline.

PreventionGenetics, part of Exact Sciences
Classification: Likely benign for MAPK8IP3-related condition. Last evaluated: 2022-08-02. Review status: no assertion criteria provided. Collection method: clinical testing. Allele origin: germline. Not counted in ClinVar's aggregate classification.
Comment: This variant is classified as likely benign based on ACMG/AMP sequence variant interpretation guidelines (Richards et al. 2015 PMID: 25741868, with internal and published modifications).

NM_001318852.2(MAPK8IP3):c.3146C>G (p.Ser1049Cys)

Gene: MAPK8IP3 (mitogen-activated protein kinase 8 interacting protein 3; plus strand). Cytogenetic location: 16p13.3.
Variant type: single nucleotide variant.
Coding change: c.3146C>G on transcript NM_001318852.2 (MANE Select); coding-DNA position 3146, C replaced by G.
Protein change: p.Ser1049Cys; replaces serine 1049 with cysteine.
Molecular consequence: missense variant.
Genome position (GRCh38, 1-based): chr16:1,767,206, C>G. VCF-style: chr16-1767206-C-G. GRCh37 (hg19) VCF-style: chr16-1817207-C-G.
Other names: c.3143C>G (NM_015133.3); c.3125C>G, p.Ser1042Cys (NM_001040439.2); c.3143C>G, p.Ser1048Cys (NM_015133.5, NM_033392.3); short protein forms S1042C, S1048C, S1049C.
Identifiers: ClinVar variation 3036811 (VCV003036811.3), dbSNP rs200147332, ClinGen allele CA7817568.
Genomic context (GRCh38, chr16:1,767,206, plus strand): 5'-CAGATGGCCAGTGGGATCTGAGCAACTATCACCTAATGGACCTGGGCCACCCGCACCACT[C>G]CATCCGCTGCATGGCTGTTGTGTACGACCGCGTGTGGTGTGGCTACAAGAACAAGGTGCA-3'
Protein context (NP_001305781.1, residues 1039-1059): HLMDLGHPHH[Ser1049Cys]IRCMAVVYDR